The following is an entry in ClinVar:

ClinVar aggregate classification (germline): Uncertain significance (1 of 4 stars; one submission).

gnomAD v4.1: 3 of 1,612,464 alleles (0.00019%); highest among the groups gnomAD compares: Non-Finnish European, 0.00017%; no homozygotes.

Submission:

Labcorp Genetics (formerly Invitae), Labcorp
Classification: Uncertain significance. Last evaluated: 2026-01-30. Review status: criteria provided, single submitter. Criteria: Invitae Variant Classification Sherloc (09022015). Collection method: clinical testing. Allele origin: germline.
Comment: This sequence change replaces isoleucine, which is neutral and non-polar, with valine, which is neutral and non-polar, at codon 1318 of the FOCAD protein (p.Ile1318Val). This variant is not present in population databases (gnomAD no frequency). This variant has not been reported in the literature in individuals affected with FOCAD-related conditions. Experimental studies and prediction algorithms are not available or were not evaluated, and the functional significance of this variant is currently unknown. In summary, the available evidence is currently insufficient to determine the role of this variant in disease. Therefore, it has been classified as a Variant of Uncertain Significance.

NM_001375567.1(FOCAD):c.3952A>G (p.Ile1318Val)

Gene: FOCAD (focadhesin; plus strand). Cytogenetic location: 9p21.3.
Variant type: single nucleotide variant.
Coding change: c.3952A>G on transcript NM_001375567.1 (MANE Select); coding-DNA position 3952, A replaced by G.
Protein change: p.Ile1318Val; replaces isoleucine 1318 with valine.
Molecular consequence: missense variant.
Genome position (GRCh38, 1-based): chr9:20,950,999, A>G. VCF-style: chr9-20950999-A-G. GRCh37 (hg19) VCF-style: chr9-20950998-A-G.
Other names: c.3847A>G, p.Ile1283Val (NM_001375568.1, NM_001375570.1); c.3952A>G, p.Ile1318Val (NM_017794.5); short protein forms I1283V, I1318V.
Identifiers: ClinVar variation 4809509 (VCV004809509.1).